The following is an entry in ClinVar:

NM_007272.3(CTRC):c.499G>A (p.Gly167Ser)

Gene: CTRC (chymotrypsin C; plus strand). Cytogenetic location: 1p36.21.
Variant type: single nucleotide variant.
Coding change: c.499G>A on transcript NM_007272.3 (MANE Select); coding-DNA position 499, G replaced by A.
Protein change: p.Gly167Ser; replaces glycine 167 with serine.
Molecular consequence: missense variant.
Genome position (GRCh38, 1-based): chr1:15,444,611, G>A. VCF-style: chr1-15444611-G-A. GRCh37 (hg19) VCF-style: chr1-15771106-G-A.
Other names: short protein forms G167S.
Identifiers: ClinVar variation 618052 (VCV000618052.20), dbSNP rs141205711, ClinGen allele CA613368.

ClinVar aggregate classification (germline): Uncertain significance. Review status: criteria provided, multiple submitters, no conflicts (2 of 4 stars). 3 submissions from 3 submitters: Uncertain significance (3). Last evaluated 2025-09-19.

Conditions:
Hereditary pancreatitis (PCTT). Also called: Hereditary chronic pancreatitis; PRSS1-Related Hereditary Pancreatitis. Identifiers: Orphanet 676, MedGen C0238339, MONDO:0008185, OMIM 167800.

Allele frequency attached by ClinVar (database versions not stated): TOPMed 0.00004; ESP Exome Variant Server 0.00008.
gnomAD v4.1: 44 of 1,614,054 alleles (0.0027%); highest among the groups gnomAD compares: East Asian, 0.011%; no homozygotes.

Submissions (3):

Ambry Genetics
Classification: Uncertain significance for Hereditary pancreatitis. Last evaluated: 2025-09-19. Review status: criteria provided, single submitter. Criteria: Ambry Variant Classification Scheme 2023. Collection method: clinical testing. Allele origin: germline.
Comment: The p.G167S variant (also known as c.499G>A), located in coding exon 6 of the CTRC gene, results from a G to A substitution at nucleotide position 499. The glycine at codon 167 is replaced by serine, an amino acid with similar properties. This amino acid position is highly conserved in available vertebrate species. In addition, the in silico prediction for this alteration is inconclusive. Since supporting evidence is limited at this time, the clinical significance of this alteration remains unclear.

ARUP Laboratories, Molecular Genetics and Genomics, ARUP Laboratories
Classification: Uncertain significance for Hereditary pancreatitis. Last evaluated: 2024-05-30. Review status: criteria provided, single submitter. Criteria: ARUP Molecular Germline Variant Investigation Process 2024. Collection method: clinical testing. Allele origin: germline.
Comment: The CTRC c.499G>A; p.Gly167Ser variant (rs141205711), to our knowledge, is not reported in the medical literature or gene specific databases. This variant is found in the general population with an overall allele frequency of 0.003% (9/282702 alleles) in the Genome Aggregation Database (v2.1.1). Computational analyses predict that this variant is deleterious (REVEL: 0.75). However, given the lack of clinical and functional data, the significance of this variant is uncertain at this time.

Labcorp Genetics (formerly Invitae), Labcorp
Classification: Uncertain significance for Hereditary pancreatitis. Last evaluated: 2024-04-30. Review status: criteria provided, single submitter. Criteria: Invitae Variant Classification Sherloc (09022015). Collection method: clinical testing. Allele origin: germline.
Comment: This sequence change replaces glycine, which is neutral and non-polar, with serine, which is neutral and polar, at codon 167 of the CTRC protein (p.Gly167Ser). This variant is present in population databases (rs141205711, gnomAD 0.01%). This variant has not been reported in the literature in individuals affected with CTRC-related conditions. ClinVar contains an entry for this variant (Variation ID: 618052). Advanced modeling of protein sequence and biophysical properties (such as structural, functional, and spatial information, amino acid conservation, physicochemical variation, residue mobility, and thermodynamic stability) performed at Invitae indicates that this missense variant is not expected to disrupt CTRC protein function with a negative predictive value of 80%. In summary, the available evidence is currently insufficient to determine the role of this variant in disease. Therefore, it has been classified as a Variant of Uncertain Significance.